The following is an entry in ClinVar:

ClinVar aggregate classification (germline): Pathogenic (1 of 4 stars; one submission).

Submission:

Labcorp Genetics (formerly Invitae), Labcorp
Classification: Pathogenic. Last evaluated: 2020-11-13. Review status: criteria provided, single submitter. Criteria: Invitae Variant Classification Sherloc (09022015). Collection method: clinical testing. Allele origin: germline.
Comment: This variant is not present in population databases (ExAC no frequency). For these reasons, this variant has been classified as Pathogenic. This variant has not been reported in the literature in individuals with COL7A1-related conditions. This sequence change creates a premature translational stop signal (p.Arg33Alafs*71) in the COL7A1 gene. It is expected to result in an absent or disrupted protein product. Loss-of-function variants in COL7A1 are known to be pathogenic (PMID: 16971478).

Literature cited by the submitters: PubMed 16971478.

NM_000094.4(COL7A1):c.97del (p.Arg33fs)

Gene: COL7A1 (collagen type VII alpha 1 chain; minus strand). Cytogenetic location: 3p21.31.
Variant type: Deletion.
Coding change: c.97del on transcript NM_000094.4 (MANE Select); coding-DNA position 97, one base deleted (C; older notation c.97delC).
Protein change: p.Arg33fs; shifts the reading frame from arginine 33.
Molecular consequence: frameshift variant.
Genome position (GRCh38, 1-based): chr3:48,594,537, G deleted on the plus strand (C on the coding strand, the reverse complement: COL7A1 is on the minus strand). VCF-style (leftmost placement, unchanged base first): chr3-48594536-CG-C. GRCh37 (hg19) VCF-style: chr3-48631969-CG-C.
Other names: short protein forms R33fs.
Identifiers: ClinVar variation 1456424 (VCV001456424.6), dbSNP rs2107807665, ClinGen allele CA2573137054.